The following continues an entry in ClinVar:

NM_000402.4(G6PD):c.1466G>T (p.Arg489Leu)

Gene: G6PD. ClinVar aggregate classification (germline): Pathogenic. Pathogenic (21).

Submissions 24 to 28 of 28:

OMIM
Classification: other for G6PD CANTON. Last evaluated: 2017-05-24. Review status: no assertion criteria provided. Collection method: literature only. Allele origin: germline. Not counted in ClinVar's aggregate classification.

OMIM
Classification: other for G6PD GIFU. Last evaluated: 2017-05-24. Review status: no assertion criteria provided. Collection method: literature only. Allele origin: germline. Not counted in ClinVar's aggregate classification.

OMIM
Classification: other for G6PD AGRIGENTO. Last evaluated: 2017-05-24. Review status: no assertion criteria provided. Collection method: literature only. Allele origin: germline. Not counted in ClinVar's aggregate classification.

OMIM
Classification: other for G6PD TAIWAN-HAKKA. Last evaluated: 2017-05-24. Review status: no assertion criteria provided. Collection method: literature only. Allele origin: germline. Not counted in ClinVar's aggregate classification.

Counsyl
Classification: Pathogenic for Anemia, nonspherocytic hemolytic, due to G6PD deficiency. Last evaluated: 2015-06-06. Review status: no assertion criteria provided. Collection method: clinical testing. Allele origin: unknown. Not counted in ClinVar's aggregate classification.

Literature cited by the submitters: PubMed 33128437 (cited by Department of Otolaryngology Head and Neck Surgery, Hainan Hospital of the Chinese People’s Liberation Army General Hospital); PubMed 34134107 (cited by Department of Otolaryngology Head and Neck Surgery, Hainan Hospital of the Chinese People’s Liberation Army General Hospital); PubMed 1562739 (cited by 4 submitters); PubMed 2263506 (cited by 4 submitters); PubMed 6714986 (cited by Labcorp Genetics (formerly Invitae), Labcorp and OMIM); PubMed 8537082 (cited by Labcorp Genetics (formerly Invitae), Labcorp); PubMed 10643148 (cited by Labcorp Genetics (formerly Invitae), Labcorp and Dunham Lab, University of Washington); PubMed 11499668 (cited by Labcorp Genetics (formerly Invitae), Labcorp); PubMed 17726510 (cited by Labcorp Genetics (formerly Invitae), Labcorp); PubMed 20203002 (cited by Labcorp Genetics (formerly Invitae), Labcorp); PubMed 21446359 (cited by Labcorp Genetics (formerly Invitae), Labcorp); PubMed 25541721 (cited by 3 submitters); PubMed 25775246 (cited by Labcorp Genetics (formerly Invitae), Labcorp and Department of Traditional Chinese Medicine, Fujian Provincial Hospital); PubMed 26823837 (cited by Labcorp Genetics (formerly Invitae), Labcorp and Department of Traditional Chinese Medicine, Fujian Provincial Hospital); PubMed 16607506 (cited by 4 submitters); PubMed 29339739 (cited by Variantyx, Inc.); PubMed 8447319 (cited by Variantyx, Inc.); PubMed 9299858 (cited by Variantyx, Inc.); PubMed 36315991 (cited by Victorian Clinical Genetics Services, Murdoch Childrens Research Institute); PubMed 32987391 (cited by 3billion); PubMed 7803800 (cited by Dunham Lab, University of Washington); PubMed 16329560 (cited by Dunham Lab, University of Washington); PubMed 22164279 (cited by Dunham Lab, University of Washington); PubMed 8471773 (cited by Dunham Lab, University of Washington); PubMed 11793482 (cited by Dunham Lab, University of Washington); PubMed 10502785 (cited by Dunham Lab, University of Washington); PubMed 33636823 (cited by Dunham Lab, University of Washington); PubMed 15727905 (cited by Dunham Lab, University of Washington); PubMed 31863082 (cited by Dunham Lab, University of Washington); PubMed 4435794 (cited by Dunham Lab, University of Washington); PubMed 8244337 (cited by Dunham Lab, University of Washington); PubMed 30045279 (cited by Dunham Lab, University of Washington); PubMed 7590755 (cited by Dunham Lab, University of Washington); PubMed 9589612 (cited by Dunham Lab, University of Washington); PubMed 4379606 (cited by Dunham Lab, University of Washington); PubMed 12497642 (cited by Dunham Lab, University of Washington); PubMed 7440223 (cited by Dunham Lab, University of Washington); PubMed 4721339 (cited by Dunham Lab, University of Washington); PubMed 22963789 (cited by Dunham Lab, University of Washington); PubMed 31489982 (cited by Dunham Lab, University of Washington); PubMed 31862010 (cited by Dunham Lab, University of Washington); PubMed 35840819 (cited by Dunham Lab, University of Washington); PubMed 25440321 (cited by Illumina Laboratory Services, Illumina and Department of Traditional Chinese Medicine, Fujian Provincial Hospital); PubMed 11024211 (cited by Illumina Laboratory Services, Illumina); PubMed 17587269 (cited by Illumina Laboratory Services, Illumina); PubMed 22171972 (cited by Illumina Laboratory Services, Illumina); PubMed 36949502 (cited by Gene Friend Way, National Innovation Center); PubMed 33051526 (cited by Gene Friend Way, National Innovation Center); PubMed 38834682 (cited by Gene Friend Way, National Innovation Center); PubMed 5485383 (cited by OMIM); PubMed 4283789 (cited by OMIM); PubMed 16832 (cited by OMIM); PubMed 21874587 (cited by Counsyl).